The following is an entry in ClinVar:

NM_003106.4(SOX2):c.514A>G (p.Ser172Gly)

Genes: SOX2 (SRY-box transcription factor 2; plus strand), SOX2-OT (SOX2 overlapping transcript; plus strand), LOC108281177 (SOX2 5' regulatory region; plus strand). Cytogenetic location: 3q26.33.
Variant type: single nucleotide variant.
Coding change: c.514A>G on transcript NM_003106.4 (MANE Select); coding-DNA position 514, A replaced by G.
Protein change: p.Ser172Gly; replaces serine 172 with glycine.
Molecular consequence: missense variant.
Genome position (GRCh38, 1-based): chr3:181,712,874, A>G. VCF-style: chr3-181712874-A-G. GRCh37 (hg19) VCF-style: chr3-181430662-A-G.
Other names: short protein forms S172G.
Identifiers: ClinVar variation 4682021 (VCV004682021.5).
Genomic context (GRCh38, chr3:181,712,874, plus strand): 5'-GGCGTGAACCAGCGCATGGACAGTTACGCGCACATGAACGGCTGGAGCAACGGCAGCTAC[A>G]GCATGATGCAGGACCAGCTGGGCTACCCGCAGCACCCGGGCCTCAATGCGCACGGCGCAG-3'
Protein context (NP_003097.1, residues 162-182): HMNGWSNGSY[Ser172Gly]MMQDQLGYPQ

ClinVar aggregate classification (germline): Uncertain significance (1 of 4 stars; one submission).

Submission:

CeGaT Center for Human Genetics Tuebingen
Classification: Uncertain significance. Last evaluated: 2025-12-01. Review status: criteria provided, single submitter. Criteria: CeGaT Center For Human Genetics Tuebingen Variant Classification Criteria Version 2. Collection method: clinical testing. Allele origin: germline. Affected: yes. Observed: 1 variant allele.
Comment: SOX2: PM2, BP4